The following is an entry in ClinVar:

ClinVar aggregate classification (germline): Conflicting classifications of pathogenicity. Review status: criteria provided, conflicting classifications (1 of 4 stars). 7 submissions from 7 submitters: Pathogenic (1); Likely pathogenic (1); Uncertain significance (2); Likely benign (2). 1 of the submissions does not count toward it. Last evaluated 2025-12-19.

Conditions:
Primary dilated cardiomyopathy (DCM). Also called: Dilated Cardiomyopathy. Identifiers: Orphanet 217604, MedGen C0007193, MeSH D002311, MONDO:0005021, HP:0001644. Inheritance: Various modes of inheritance.
Glucocorticoid deficiency 5. Identifiers: MedGen C4540522, MONDO:0040502, OMIM 617825.
Cardiovascular phenotype. Identifiers: MedGen CN230736.

Allele frequency attached by ClinVar (database versions not stated): 1000 Genomes Project 30x 0.00062; 1000 Genomes Project 0.00060; gnomAD 0.00006; TOPMed 0.00016.
gnomAD v4.1: 461 of 1,613,726 alleles (0.029%); highest among the groups gnomAD compares: South Asian, 0.34%; 2 homozygotes.

Submissions (7):

Labcorp Genetics (formerly Invitae), Labcorp
Classification: Likely benign for Primary dilated cardiomyopathy. Last evaluated: 2025-12-19. Review status: criteria provided, single submitter. Criteria: Invitae Variant Classification Sherloc (09022015). Collection method: clinical testing. Allele origin: germline.

Genomic Medicine Center of Excellence, King Faisal Specialist Hospital and Research Centre
Classification: Uncertain significance for Glucocorticoid deficiency 5. Last evaluated: 2024-12-19. Review status: criteria provided, single submitter. Criteria: ACMG Guidelines, 2015. Collection method: clinical testing. Allele origin: germline.

GeneDx
Classification: Uncertain significance. Last evaluated: 2023-12-28. Review status: criteria provided, single submitter. Criteria: GeneDx Variant Classification Process June 2021. Collection method: clinical testing. Allele origin: germline. Affected: yes.
Comment: Nonsense variant predicted to result in protein truncation or nonsense mediated decay in a gene for which loss-of-function is not a known mechanism of disease; This variant is associated with the following publications: (PMID: 26300845, 31712860, 34297361, 34426522, 38011841, EdavanaS2023[Abstract], 36674647, 24601690)

Ambry Genetics
Classification: Likely benign for Cardiovascular phenotype. Last evaluated: 2020-02-21. Review status: criteria provided, single submitter. Criteria: Ambry Variant Classification Scheme 2023. Collection method: clinical testing. Allele origin: germline.

SIB Swiss Institute of Bioinformatics
Classification: Likely pathogenic for Glucocorticoid deficiency 5. Last evaluated: 2018-10-15. Review status: criteria provided, single submitter. Criteria: ACMG Guidelines, 2015. Collection method: curation. Allele origin: unknown.
Comment: This variant is interpreted as Likely Pathogenic, for Glucocorticoid deficiency 5, autosomal recessive. The following ACMG Tag(s) were applied: PP1 => Cosegregation with disease in multiple affected family members in a gene definitively known to cause the disease (PubMed 24601690). PVS1-Moderate => Stop-gain mutation predicted to be loss of function. TXNRD2 is a selenoprotein and the selenocysteine residue is essential for enzymatic activity. The mutation is predicted to cause protein truncation prior the selenocysteine residue. PS3 => Well-established functional studies show a deleterious effect (PubMed 24601690).

Clinical Genetics Service, Universitary Hospital 12 de Octubre
Classification: Pathogenic for Glucocorticoid deficiency 5. Review status: criteria provided, single submitter. Criteria: ACMG Guidelines, 2015. Collection method: clinical testing. Allele origin: germline. Affected: yes.

OMIM
Classification: Pathogenic for GLUCOCORTICOID DEFICIENCY 5 (1 family). Last evaluated: 2017-12-22. Review status: no assertion criteria provided. Collection method: literature only. Allele origin: germline. Not counted in ClinVar's aggregate classification.

Literature cited by the submitters: PubMed 21247928 (cited by Ambry Genetics); PubMed 24601690 (cited by Ambry Genetics and SIB Swiss Institute of Bioinformatics); PubMed 26300845 (cited by Ambry Genetics); PubMed 31712860 (cited by Ambry Genetics); Prasad, R., Chan, L. F., Hughes, C. R., Kaski, J. P., Kowalczyk, J. C., Savage, M. O., Peters, C. J., Nathwani, N., Clark, A. J. L., Storr, H. L., Metherell, L. A. Thioredoxin reductase 2 (TXNRD2) mutation associated with familial glucocorticoid deficiency (FGD). J. Clin. Endocr. Metab. 99: E1556-E1563, 2014. Note: Electronic Article. (cited by OMIM).

NM_006440.5(TXNRD2):c.1341T>G (p.Tyr447Ter)

Gene: TXNRD2 (thioredoxin reductase 2; minus strand). Cytogenetic location: 22q11.21.
Variant type: single nucleotide variant.
Coding change: c.1341T>G on transcript NM_006440.5 (MANE Select); coding-DNA position 1341, T replaced by G.
Protein change: p.Tyr447Ter; replaces tyrosine 447 with a stop codon.
Molecular consequence: nonsense. On other transcripts: non-coding transcript variant (1).
Genome position (GRCh38, 1-based): chr22:19,878,372, A>C on the plus strand (T>G on the coding strand, the complement: TXNRD2 is on the minus strand). VCF-style: chr22-19878372-A-C. GRCh37 (hg19) VCF-style: chr22-19865895-A-C.
Other names: c.1338T>G, p.Tyr446Ter (NM_001352300.2); c.1251T>G, p.Tyr417Ter (NM_001352301.2); c.1053T>G, p.Tyr351Ter (NM_001352302.2); short protein forms Y447*, Y446*, Y351*, Y417*.
Identifiers: ClinVar variation 264269 (VCV000264269.22), dbSNP rs202059967, ClinGen allele CA10103698.